The following is an entry in ClinVar:

ClinVar aggregate classification (germline): Likely benign. Review status: criteria provided, single submitter (1 of 4 stars). 2 submissions from 2 submitters: Likely benign (1). 1 of the submissions does not count toward it. Last evaluated 2025-04-11.

Conditions:
PCNT-related disorder. Also called: PCNT-related condition.
Inborn genetic diseases. Identifiers: MedGen C0950123, MeSH D030342.

gnomAD v4.1: 28 of 1,592,586 alleles (0.0018%); highest among the groups gnomAD compares: Middle Eastern, 0.04%; no homozygotes.

Submissions (2):

Ambry Genetics
Classification: Likely benign for Inborn genetic diseases. Last evaluated: 2025-04-11. Review status: criteria provided, single submitter. Criteria: Ambry Variant Classification Scheme 2023. Collection method: clinical testing. Allele origin: germline.

PreventionGenetics, part of Exact Sciences
Classification: Uncertain significance for PCNT-related condition. Last evaluated: 2024-04-23. Review status: no assertion criteria provided. Collection method: clinical testing. Allele origin: germline. Not counted in ClinVar's aggregate classification.
Comment: The PCNT c.5857C>T variant is predicted to result in the amino acid substitution p.Arg1953Cys. To our knowledge, this variant has not been reported in the literature. This variant is reported in 0.0027% of alleles in individuals of European (non-Finnish) descent in gnomAD. At this time, the clinical significance of this variant is uncertain due to the absence of conclusive functional and genetic evidence.

NM_006031.6(PCNT):c.5857C>T (p.Arg1953Cys)

Gene: PCNT (pericentrin; plus strand). Cytogenetic location: 21q22.3.
Variant type: single nucleotide variant.
Coding change: c.5857C>T on transcript NM_006031.6 (MANE Select); coding-DNA position 5857, C replaced by T.
Protein change: p.Arg1953Cys; replaces arginine 1953 with cysteine.
Molecular consequence: missense variant.
Genome position (GRCh38, 1-based): chr21:46,411,930, C>T. VCF-style: chr21-46411930-C-T. GRCh37 (hg19) VCF-style: chr21-47831844-C-T.
Other names: c.5503C>T, p.Arg1835Cys (NM_001315529.2); short protein forms R1835C, R1953C.
Identifiers: ClinVar variation 3351593 (VCV003351593.2).